The following is an entry in ClinVar:

ClinVar aggregate classification (germline): Uncertain significance (1 of 4 stars; one submission).

Allele frequency attached by ClinVar (database versions not stated): gnomAD 0.00005; ESP Exome Variant Server 0.00008; gnomAD exomes 0.00001; TOPMed 0.00003; ExAC 0.00001.
gnomAD v4.1: 16 of 1,613,824 alleles (0.00099%); highest among the groups gnomAD compares: African/African-American, 0.017%; no homozygotes.

Submission:

Labcorp Genetics (formerly Invitae), Labcorp
Classification: Uncertain significance. Last evaluated: 2022-07-01. Review status: criteria provided, single submitter. Criteria: Invitae Variant Classification Sherloc (09022015). Collection method: clinical testing. Allele origin: germline.
Comment: In summary, the available evidence is currently insufficient to determine the role of this variant in disease. Therefore, it has been classified as a Variant of Uncertain Significance. Experimental studies and prediction algorithms are not available or were not evaluated, and the functional significance of this variant is currently unknown. This variant has not been reported in the literature in individuals affected with LTBP4-related conditions. This variant is present in population databases (rs374726821, gnomAD 0.03%). This sequence change replaces cysteine, which is neutral and slightly polar, with tyrosine, which is neutral and polar, at codon 44 of the LTBP4 protein (p.Cys44Tyr).

NM_003573.2(LTBP4):c.131G>A (p.Cys44Tyr)

Gene: LTBP4 (latent transforming growth factor beta binding protein 4; plus strand). Cytogenetic location: 19q13.2.
Variant type: single nucleotide variant.
Coding change: c.131G>A on transcript NM_003573.2; coding-DNA position 131, G replaced by A.
Protein change: p.Cys44Tyr; replaces cysteine 44 with tyrosine.
Molecular consequence: missense variant.
Genome position (GRCh38, 1-based): chr19:40,599,457, G>A. VCF-style: chr19-40599457-G-A. GRCh37 (hg19) VCF-style: chr19-41105363-G-A.
Other names: c.242G>A, p.Cys81Tyr (NM_001042544.1); short protein forms C44Y, C81Y.
Identifiers: ClinVar variation 1956072 (VCV001956072.4), dbSNP rs374726821, ClinGen allele CA9447942.